The following is an entry in ClinVar:

ClinVar aggregate classification (germline): Conflicting classifications of pathogenicity. Review status: criteria provided, conflicting classifications (1 of 4 stars). 3 submissions from 3 submitters: Likely pathogenic (1); Uncertain significance (1). 1 of the submissions does not count toward it. Last evaluated 2022-12-23.

Conditions:
Charcot-Marie-Tooth disease, type I (CMT1). Also called: Charcot-Marie-Tooth disease type 1; Charcot-Marie-Tooth, Type 1. Identifiers: Orphanet 65753, MedGen C0751036, MONDO:0019011.
Charcot-Marie-Tooth disease. Also called: Charcot-Marie-Tooth Hereditary Neuropathy; Charcot-Marie-Tooth Neuropathy. Identifiers: Orphanet 166, MedGen C0007959, MONDO:0015626.

Submissions (3):

Labcorp Genetics (formerly Invitae), Labcorp
Classification: Likely pathogenic for Charcot-Marie-Tooth disease, type I. Last evaluated: 2022-12-23. Review status: criteria provided, single submitter. Criteria: Invitae Variant Classification Sherloc (09022015). Collection method: clinical testing. Allele origin: germline.
Comment: In summary, the currently available evidence indicates that the variant is pathogenic, but additional data are needed to prove that conclusively. Therefore, this variant has been classified as Likely Pathogenic. This variant disrupts the p.Ser54 amino acid residue in MPZ. Other variant(s) that disrupt this residue have been observed in individuals with MPZ-related conditions (PMID: 10533074), which suggests that this may be a clinically significant amino acid residue. Advanced modeling of protein sequence and biophysical properties (such as structural, functional, and spatial information, amino acid conservation, physicochemical variation, residue mobility, and thermodynamic stability) performed at Invitae indicates that this missense variant is expected to disrupt MPZ protein function. ClinVar contains an entry for this variant (Variation ID: 637324). This missense change has been observed in individual(s) with severe Charcot-Marie-Tooth disease (PMID: 10093067, 12090401, 25025039). In at least one individual the variant was observed to be de novo. This variant is not present in population databases (gnomAD no frequency). This sequence change replaces serine, which is neutral and polar, with cysteine, which is neutral and slightly polar, at codon 54 of the MPZ protein (p.Ser54Cys).

Revvity Omics, Revvity
Classification: Uncertain significance. Last evaluated: 2019-06-18. Review status: criteria provided, single submitter. Criteria: ACMG Guidelines, 2015. Collection method: clinical testing. Allele origin: germline.

Inherited Neuropathy Consortium
Classification: Uncertain significance for Charcot-Marie-Tooth disease. Review status: no assertion criteria provided. Collection method: literature only. Allele origin: germline. Affected: yes. Not counted in ClinVar's aggregate classification.

Literature cited by the submitters: PubMed 10533074 (cited by Labcorp Genetics (formerly Invitae), Labcorp); PubMed 10093067 (cited by Labcorp Genetics (formerly Invitae), Labcorp and Inherited Neuropathy Consortium); PubMed 12090401 (cited by Labcorp Genetics (formerly Invitae), Labcorp); PubMed 25025039 (cited by Labcorp Genetics (formerly Invitae), Labcorp).

NM_000530.8(MPZ):c.161C>G (p.Ser54Cys)

Gene: MPZ (myelin protein zero; minus strand). Cytogenetic location: 1q23.3.
Variant type: single nucleotide variant.
Coding change: c.161C>G on transcript NM_000530.8 (MANE Select); coding-DNA position 161, C replaced by G.
Protein change: p.Ser54Cys; replaces serine 54 with cysteine.
Molecular consequence: missense variant.
Genome position (GRCh38, 1-based): chr1:161,307,331, G>C on the plus strand (C>G on the coding strand, the complement: MPZ is on the minus strand). VCF-style: chr1-161307331-G-C. GRCh37 (hg19) VCF-style: chr1-161277121-G-C.
Other names: c.161C>G (LRG_256t1); c.161C>G, p.Ser54Cys (NM_001315491.2); short protein forms S54C.
Identifiers: ClinVar variation 637324 (VCV000637324.13), dbSNP rs1571820092, ClinGen allele CA343351048.
Genomic context (GRCh38, chr1:161,307,331, plus strand): 5'-CTGCCCCCTTCGGGCTGGTAGCGCCAGGTGAAGGAGATGTCATCTGAGACCCACTCACTG[G>C]ACCAGAAGGAGCAGTGCAGGGTCACCCGGGAGCCCACAGCACCATGGACCTCCCTGTCGG-3'
Protein context (NP_000521.2, residues 44-64): SRVTLHCSFW[Ser54Cys]SEWVSDDISF